The following is an entry in ClinVar:

NM_018896.5(CACNA1G):c.3053A>C (p.Lys1018Thr)

Gene: CACNA1G (calcium voltage-gated channel subunit alpha1 G; plus strand). Cytogenetic location: 17q21.33.
Variant type: single nucleotide variant.
Coding change: c.3053A>C on transcript NM_018896.5 (MANE Select); coding-DNA position 3053, A replaced by C.
Protein change: p.Lys1018Thr; replaces lysine 1018 with threonine.
Molecular consequence: missense variant. On other transcripts: non-coding transcript variant (5).
Genome position (GRCh38, 1-based): chr17:50,596,635, A>C. VCF-style: chr17-50596635-A-C. GRCh37 (hg19) VCF-style: chr17-48673996-A-C.
Other names: c.3053A>C, p.Lys1018Thr (NM_001256324.2, NM_001256325.2, NM_001256326.2 and 16 more transcripts); c.2984A>C, p.Lys995Thr (NM_001256332.2, NM_198376.3, NM_198379.3 and 5 more transcripts); c.3053A>C (NM_018896.3); short protein forms K1018T, K995T.
Identifiers: ClinVar variation 389457 (VCV000389457.3), dbSNP rs577623916, ClinGen allele CA16607758.
Genomic context (GRCh38, chr17:50,596,635, plus strand): 5'-AGTCCGAATCAGAGCCCGATTTCTTCTCACCCAGCCTGGATGGTGATGGGGACAGGAAGA[A>C]GTGCTTGGCCTGTGAGTACCTATCCTGGGGTGCGACTTTTGGCCCTGGGCCAGCCCTGTG-3'
Protein context (NP_061496.2, residues 1008-1028): PSLDGDGDRK[Lys1018Thr]CLALVSLGEH

ClinVar aggregate classification (germline): Uncertain significance. Review status: criteria provided, multiple submitters, no conflicts (2 of 4 stars). 2 submissions from 2 submitters: Uncertain significance (2). Last evaluated 2025-02-27.

Conditions:
Inborn genetic diseases. Identifiers: MedGen C0950123, MeSH D030342.

Allele frequency attached by ClinVar (database versions not stated): TOPMed below 0.00001; gnomAD 0.00002; gnomAD exomes 0.00002.
gnomAD v4.1: 33 of 1,613,822 alleles (0.002%); highest among the groups gnomAD compares: Non-Finnish European, 0.0026%; no homozygotes.

Submissions (2):

Ambry Genetics
Classification: Uncertain significance for Inborn genetic diseases. Last evaluated: 2025-02-27. Review status: criteria provided, single submitter. Criteria: Ambry Variant Classification Scheme 2023. Collection method: clinical testing. Allele origin: germline.

GeneDx
Classification: Uncertain significance. Last evaluated: 2016-09-26. Review status: criteria provided, single submitter. Criteria: GeneDx Variant Classification (06012015). Collection method: clinical testing. Allele origin: germline. Affected: yes.
Comment: The K1018T variant in the CACNA1G gene has not been reported previously as a pathogenic variant, nor as a benign variant, to our knowledge. The K1018T variant was not observed in approximately 6300 individuals of European and African American ancestry in the NHLBI Exome Sequencing Project, indicating it is not a common benign variant in these populations. The K1018T variant is a semi-conservative amino acid substitution, which occurs at a position where amino acids with similar properties to Lysine are tolerated across species. In silico analysis is inconsistent in its predictions as to whether or not the variant is damaging to the protein structure/function. We interpret K1018T as a variant of uncertain significance.